The following is an entry in ClinVar:

NM_000083.3(CLCN1):c.1357dup (p.Arg453fs)

Gene: CLCN1 (chloride voltage-gated channel 1; plus strand). Cytogenetic location: 7q34.
Variant type: Duplication.
Coding change: c.1357dup on transcript NM_000083.3 (MANE Select); coding-DNA position 1357, one base duplicated (C; older notation c.1357dupC).
Protein change: p.Arg453fs; shifts the reading frame from arginine 453.
Molecular consequence: frameshift variant.
Genome position (GRCh38, 1-based): chr7:143,332,829, C duplicated; the last of 5 consecutive C bases (chr7:143,332,825-143,332,829); duplicating any one gives the same sequence. VCF-style (leftmost placement, unchanged base first): chr7-143332824-A-AC. GRCh37 (hg19) VCF-style: chr7-143029917-A-AC.
Other names: c.1357dupC (NM_000083.2); c.1357dup (NM_000083.2); short protein forms R453fs.
Identifiers: ClinVar variation 664719 (VCV000664719.7), dbSNP rs1586499614, ClinGen allele CA915945543.
Genomic context (GRCh38, chr7:143,332,824, plus strand): 5'-ATACATGGGTGAAACACGCGGGTGATCCTGAGAGCCTGGGCCAGTCAGCTGTGTGGATTC[A>AC]CCCCCGGGTCAACGTTGTCATCATCATCTTTCTCTTCTTCGTCATGAAGGTACTGCTCCT-3'

ClinVar aggregate classification (germline): Pathogenic. Review status: criteria provided, multiple submitters, no conflicts (2 of 4 stars). 2 submissions from 2 submitters: Pathogenic (2). Last evaluated 2024-03-27.

Conditions:
Congenital myotonia, autosomal dominant form (THD). Also called: THOMSEN DISEASE; Myotonia congenita autosomal dominant. Identifiers: Orphanet 614, MedGen C2936781, MONDO:0008055, OMIM 160800.
Congenital myotonia, autosomal recessive form. Also called: BECKER DISEASE; Becker Generalized Myotonia; myotonia congenita, autosomal recessive. Identifiers: Orphanet 614, MedGen C0751360, MONDO:0009715, OMIM 255700.

Submissions (2):

Labcorp Genetics (formerly Invitae), Labcorp
Classification: Pathogenic for Congenital myotonia, autosomal recessive form; Congenital myotonia, autosomal dominant form. Last evaluated: 2024-03-27. Review status: criteria provided, single submitter. Criteria: Invitae Variant Classification Sherloc (09022015). Collection method: clinical testing. Allele origin: germline.
Comment: This sequence change creates a premature translational stop signal (p.Arg453Profs*56) in the CLCN1 gene. It is expected to result in an absent or disrupted protein product. Loss-of-function variants in CLCN1 are known to be pathogenic (PMID: 17932099, 22094069, 23739125). This variant is not present in population databases (gnomAD no frequency). This variant has not been reported in the literature in individuals affected with CLCN1-related conditions. ClinVar contains an entry for this variant (Variation ID: 664719). For these reasons, this variant has been classified as Pathogenic.

Athena Diagnostics
Classification: Pathogenic. Last evaluated: 2023-10-16. Review status: criteria provided, single submitter. Criteria: Athena Diagnostics Criteria. Collection method: clinical testing. Allele origin: unknown.
Comment: This variant is expected to result in the loss of a functional protein. This variant has been identified in at least one individual tested at Athena Diagnostics with clinical features associated with this gene. This variant has not been reported in large, multi-ethnic general populations.

Literature cited by the submitters: PubMed 17932099 (cited by Labcorp Genetics (formerly Invitae), Labcorp); PubMed 22094069 (cited by Labcorp Genetics (formerly Invitae), Labcorp); PubMed 23739125 (cited by Labcorp Genetics (formerly Invitae), Labcorp).